The following is an entry in ClinVar:

NM_017780.4(CHD7):c.2048A>G (p.Lys683Arg)

Genes: CHD7 (chromodomain helicase DNA binding protein 7; plus strand), LOC126860403 (CDK7 strongly-dependent group 2 enhancer GRCh37_chr8:61693034-61694233; plus strand). Cytogenetic location: 8q12.2.
Variant type: single nucleotide variant.
Coding change: c.2048A>G on transcript NM_017780.4 (MANE Select); coding-DNA position 2048, A replaced by G.
Protein change: p.Lys683Arg; replaces lysine 683 with arginine.
Molecular consequence: missense variant. On other transcripts: intron variant (1).
Genome position (GRCh38, 1-based): chr8:60,781,382, A>G. VCF-style: chr8-60781382-A-G. GRCh37 (hg19) VCF-style: chr8-61693941-A-G.
Other names: c.1716+332A>G (NM_001316690.1); short protein forms K683R.
Identifiers: ClinVar variation 3021663 (VCV003021663.3), dbSNP rs2487540840, ClinGen allele CA371313505.
Genomic context (GRCh38, chr8:60,781,382, plus strand): 5'-AAGAGCCCAAGGAACCCAAGACCCCGAAAGCCCCTAAGATTCCCAAAGAGCCAAAGGAAA[A>G]GAAAGCAAAAACTGCCACGCCAAAACCCAAATCCAGCAAAAAGTCAAGGTAGGCTGTGGG-3'
Protein context (NP_060250.2, residues 673-693): APKIPKEPKE[Lys683Arg]KAKTATPKPK

ClinVar aggregate classification (germline): Uncertain significance (1 of 4 stars; one submission).

Conditions:
CHARGE syndrome (CHARGE). Also called: Hittner Hirsch Kreh syndrome; CHARGE ASSOCIATION--COLOBOMA, HEART ANOMALY, CHOANAL ATRESIA, RETARDATION, GENITAL AND EAR ANOMALIES; Coloboma, heart anomaly, choanal atresia, retardation, genital and ear anomalies; CHARGE association; Hall-Hittner syndrome. Identifiers: Orphanet 138, MedGen C0265354, MONDO:0008965.

Allele frequency attached by ClinVar (database versions not stated): gnomAD exomes below 0.00001.
gnomAD v4.1: 2 of 1,531,000 alleles (0.00013%); highest among the groups gnomAD compares: Non-Finnish European, 0.00017%; no homozygotes.

Submission:

Labcorp Genetics (formerly Invitae), Labcorp
Classification: Uncertain significance for CHARGE syndrome. Last evaluated: 2023-02-10. Review status: criteria provided, single submitter. Criteria: Invitae Variant Classification Sherloc (09022015). Collection method: clinical testing. Allele origin: germline.
Comment: Advanced modeling of protein sequence and biophysical properties (such as structural, functional, and spatial information, amino acid conservation, physicochemical variation, residue mobility, and thermodynamic stability) performed at Invitae indicates that this missense variant is not expected to disrupt CHD7 protein function. This sequence change replaces lysine, which is basic and polar, with arginine, which is basic and polar, at codon 683 of the CHD7 protein (p.Lys683Arg). This variant is not present in population databases (gnomAD no frequency). This variant has not been reported in the literature in individuals affected with CHD7-related conditions. In summary, the available evidence is currently insufficient to determine the role of this variant in disease. Therefore, it has been classified as a Variant of Uncertain Significance.